The following is an entry in ClinVar:

ClinVar aggregate classification (germline): Likely benign (1 of 4 stars; one submission).

Conditions:
ACOX2-related disorder. Also called: ACOX2-related condition.

Submission:

PreventionGenetics, part of Exact Sciences
Classification: Likely benign for ACOX2-related condition. Last evaluated: 2025-01-30. Review status: criteria provided, single submitter. Criteria: ACMG Guidelines, 2015. Collection method: clinical testing. Allele origin: germline.
Comment: This variant is classified as likely benign based on ACMG/AMP sequence variant interpretation guidelines (Richards et al. 2015 PMID: 25741868, with internal and published modifications).

NM_003500.4(ACOX2):c.1701G>A (p.Ala567=)

Gene: ACOX2 (acyl-CoA oxidase 2; minus strand). Cytogenetic location: 3p14.3.
Variant type: single nucleotide variant.
Coding change: c.1701G>A on transcript NM_003500.4 (MANE Select); coding-DNA position 1701, G replaced by A.
Protein change: p.Ala567=; no amino-acid change (alanine 567 retained).
Molecular consequence: synonymous variant.
Genome position (GRCh38, 1-based): chr3:58,517,355, C>T on the plus strand (G>A on the coding strand, the complement: ACOX2 is on the minus strand). VCF-style: chr3-58517355-C-T. GRCh37 (hg19) VCF-style: chr3-58503082-C-T.
Identifiers: ClinVar variation 4990013 (VCV004990013.1).
Genomic context (GRCh38, chr3:58,517,355, plus strand): 5'-GTTAGTCAAGATTCCATGTATGGCATGGAGGTCACAGAGGCGCTTGAGCACCTGCTGAAT[C>T]GCTGGTTCATTTTCTAGTTTCTCCAGAGCTTCTGTAAAACCCTTCACAGTGACATAGTAG-3'
Protein context (NP_003491.1, residues 557-577): EALEKLENEP[Ala567=]IQQVLKRLCD